The following is an entry in ClinVar:

ClinVar aggregate classification (germline): Pathogenic (1 of 4 stars; one submission).

Conditions:
Focal dermal hypoplasia (FDH). Also called: Goltz syndrome. Identifiers: Orphanet 2092, MedGen C0016395, MONDO:0010592, OMIM 305600.

Submission:

Pele Pequeno Principe Research Institute, Faculdades Pequeno Principe
Classification: Pathogenic for Focal dermal hypoplasia. Last evaluated: 2025-12-15. Review status: criteria provided, single submitter. Criteria: ACMG Guidelines, 2015. Collection method: research. Allele origin: germline. Inheritance: X-linked dominant inheritance. Affected: yes. Observed: 1 hemizygote.
Comment: The PORCN:c.17delG variant results in the deletion of a nucleotide in an early portion of exon 1 of the PORCN gene. This alteration is a frameshift and leads to a premature stop codon at position 6 of the protein, p.(Arg6fs), consequently resulting in either production of a truncated protein or degradation of the transcript via nonsense-mediated decay (NMD). Loss of function is a well-established pathogenic mechanism for the PORCN gene. Internal data demonstrate that this variant was identified de novo. According to the Genome Aggregation Database (gnomAD), this variant is absent from population datasets. (PMIDs: 17546031; 17546030)

Literature cited by the submitters: PubMed 17546031; PubMed 17546030.

NM_203475.3(PORCN):c.17del (p.Arg6fs)

Gene: PORCN (porcupine O-acyltransferase; plus strand). Cytogenetic location: Xp11.23.
Variant type: Deletion.
Coding change: c.17del on transcript NM_203475.3 (MANE Select); coding-DNA position 17, one base deleted (G; older notation c.17delG).
Protein change: p.Arg6fs; shifts the reading frame from arginine 6.
Molecular consequence: frameshift variant. On other transcripts: 5 prime UTR variant (1), non-coding transcript variant (2).
Genome position (GRCh38, 1-based): chrX:48,509,837, G deleted. VCF-style (leftmost placement, unchanged base first): chrX-48509836-CG-C. GRCh37 (hg19) VCF-style: chrX-48368224-CG-C.
Other names: c.-126del (NM_001282167.2); c.356del, p.Arg119fs (NM_001441333.1, NM_001441334.1); c.122del, p.Arg41fs (NM_001441335.1); c.280del, p.Ala94fs (NM_001441336.1); c.17del, p.Arg6fs (NM_022825.4, NM_203473.3, NM_203474.1); c.17delG (NM_203475.3); short protein forms A94fs, R119fs, R41fs, R6fs.
Identifiers: ClinVar variation 4537481 (VCV004537481.1).